The following is an entry in ClinVar:

ClinVar aggregate classification (germline): Uncertain significance (1 of 4 stars; one submission).

Allele frequency attached by ClinVar (database versions not stated): gnomAD 0.00002; ExAC 0.00005; gnomAD exomes 0.00005; ESP Exome Variant Server 0.00015.
gnomAD v4.1: 83 of 1,610,622 alleles (0.0052%); highest among the groups gnomAD compares: Non-Finnish European, 0.0062%; no homozygotes.

Submission:

Labcorp Genetics (formerly Invitae), Labcorp
Classification: Uncertain significance. Last evaluated: 2022-09-01. Review status: criteria provided, single submitter. Criteria: Invitae Variant Classification Sherloc (09022015). Collection method: clinical testing. Allele origin: germline.
Comment: In summary, the available evidence is currently insufficient to determine the role of this variant in disease. Therefore, it has been classified as a Variant of Uncertain Significance. Algorithms developed to predict the effect of missense changes on protein structure and function (SIFT, PolyPhen-2, Align-GVGD) all suggest that this variant is likely to be tolerated. This variant has not been reported in the literature in individuals affected with HSPG2-related conditions. This variant is present in population databases (rs371799737, gnomAD 0.006%). This sequence change replaces alanine, which is neutral and non-polar, with threonine, which is neutral and polar, at codon 1865 of the HSPG2 protein (p.Ala1865Thr).

NM_005529.7(HSPG2):c.5593G>A (p.Ala1865Thr)

Gene: HSPG2 (heparan sulfate proteoglycan 2; minus strand). Cytogenetic location: 1p36.12.
Variant type: single nucleotide variant.
Coding change: c.5593G>A on transcript NM_005529.7 (MANE Select); coding-DNA position 5593, G replaced by A.
Protein change: p.Ala1865Thr; replaces alanine 1865 with threonine.
Molecular consequence: missense variant.
Genome position (GRCh38, 1-based): chr1:21,855,895, C>T on the plus strand (G>A on the coding strand, the complement: HSPG2 is on the minus strand). VCF-style: chr1-21855895-C-T. GRCh37 (hg19) VCF-style: chr1-22182388-C-T.
Other names: c.5596G>A, p.Ala1866Thr (NM_001291860.2); short protein forms A1865T, A1866T.
Identifiers: ClinVar variation 1907216 (VCV001907216.3), dbSNP rs371799737, ClinGen allele CA671859.